The following is an entry in ClinVar:

ClinVar aggregate classification (germline): Pathogenic/Likely pathogenic. Review status: criteria provided, multiple submitters, no conflicts (2 of 4 stars). 5 submissions from 5 submitters: Pathogenic (3); Likely pathogenic (2). Last evaluated 2025-06-20.

Conditions:
Sucrase-isomaltase deficiency (CSID). Also called: Congenital sucrose isomaltose malabsorption; Sucrose isomaltose enzyme deficiency; SI DEFICIENCY; Deficiency of isomaltase. Identifiers: Orphanet 35122, MedGen C1283620, MONDO:0009114, OMIM 222900.

gnomAD v4.1: 8 of 1,565,266 alleles (0.00051%); highest among the groups gnomAD compares: Middle Eastern, 0.034%; no homozygotes.

Submissions (5):

First Genomix Gene Laboratory, Genetic Diagnostics Department
Classification: Pathogenic for Sucrase-isomaltase deficiency. Last evaluated: 2025-06-20. Review status: criteria provided, single submitter. Criteria: ACMG Guidelines, 2015. Collection method: clinical testing. Allele origin: germline. Inheritance: Autosomal recessive inheritance. Affected: no. Observed: 1 variant allele.

Fulgent Genetics
Classification: Likely pathogenic for Sucrase-isomaltase deficiency. Last evaluated: 2024-03-27. Review status: criteria provided, single submitter. Criteria: ACMG Guidelines, 2015. Collection method: clinical testing. Allele origin: germline.

Genomic Medicine Center of Excellence, King Faisal Specialist Hospital and Research Centre
Classification: Pathogenic for Sucrase-isomaltase deficiency. Last evaluated: 2024-03-26. Review status: criteria provided, single submitter. Criteria: ACMG Guidelines, 2015. Collection method: clinical testing. Allele origin: germline.

GeneDx
Classification: Pathogenic. Last evaluated: 2023-10-30. Review status: criteria provided, single submitter. Criteria: GeneDx Variant Classification Process June 2021. Collection method: clinical testing. Allele origin: germline. Affected: yes.
Comment: Nonsense variant predicted to result in protein truncation or nonsense mediated decay in a gene for which loss of function is a known mechanism of disease; Not observed at significant frequency in large population cohorts (gnomAD); Has not been previously published as pathogenic or benign to our knowledge; This variant is associated with the following publications: (PMID: 31589614, 34926337)

Revvity Omics, Revvity
Classification: Likely pathogenic for Sucrase-isomaltase deficiency. Last evaluated: 2022-08-09. Review status: criteria provided, single submitter. Criteria: ACMG Guidelines, 2015. Collection method: clinical testing. Allele origin: germline.

NM_001041.4(SI):c.853G>T (p.Glu285Ter)

Gene: SI (sucrase-isomaltase; minus strand). Cytogenetic location: 3q26.1.
Variant type: single nucleotide variant.
Coding change: c.853G>T on transcript NM_001041.4 (MANE Select); coding-DNA position 853, G replaced by T.
Protein change: p.Glu285Ter; replaces glutamic acid 285 with a stop codon.
Molecular consequence: nonsense.
Genome position (GRCh38, 1-based): chr3:165,063,496, C>A on the plus strand (G>T on the coding strand, the complement: SI is on the minus strand). VCF-style: chr3-165063496-C-A. GRCh37 (hg19) VCF-style: chr3-164781284-C-A.
Other names: short protein forms E285*.
Identifiers: ClinVar variation 489002 (VCV000489002.10), dbSNP rs758259365, ClinGen allele CA355031740.